The following is an entry in ClinVar:

NM_002109.6(HARS1):c.907A>C (p.Lys303Gln)

Gene: HARS1 (histidyl-tRNA synthetase 1; minus strand). Cytogenetic location: 5q31.3.
Variant type: single nucleotide variant.
Coding change: c.907A>C on transcript NM_002109.6 (MANE Select); coding-DNA position 907, A replaced by C.
Protein change: p.Lys303Gln; replaces lysine 303 with glutamine.
Molecular consequence: missense variant.
Genome position (GRCh38, 1-based): chr5:140,677,033, T>G on the plus strand (A>C on the coding strand, the complement: HARS1 is on the minus strand). VCF-style: chr5-140677033-T-G. GRCh37 (hg19) VCF-style: chr5-140056618-T-G.
Other names: c.787A>C, p.Lys263Gln (NM_001258040.3); c.847A>C, p.Lys283Gln (NM_001258041.3); c.727A>C, p.Lys243Gln (NM_001258042.3); c.685A>C, p.Lys229Gln (NM_001289092.2); c.565A>C, p.Lys189Gln (NM_001289093.2); c.820A>C, p.Lys274Gln (NM_001289094.2); short protein forms K189Q, K229Q, K243Q, K263Q, K274Q, K283Q, K303Q.
Identifiers: ClinVar variation 1330830 (VCV001330830.9), dbSNP rs774041144, ClinGen allele CA3443964.

ClinVar aggregate classification (germline): Uncertain significance. Review status: criteria provided, multiple submitters, no conflicts (2 of 4 stars). 2 submissions from 2 submitters: Uncertain significance (2). Last evaluated 2024-04-25.

Conditions:
Usher syndrome type 3B. Also called: USHER SYNDROME, TYPE IIIB. Identifiers: MedGen C3281066, MONDO:0013788, OMIM 614504.

Allele frequency attached by ClinVar (database versions not stated): gnomAD 0.00001; gnomAD exomes 0.00001 and 0.00002; TOPMed 0.00001; ExAC 0.00002.
gnomAD v4.1: 30 of 1,614,038 alleles (0.0019%); highest among the groups gnomAD compares: Non-Finnish European, 0.0023%; no homozygotes.

Submissions (2):

Labcorp Genetics (formerly Invitae), Labcorp
Classification: Uncertain significance for Usher syndrome type 3B. Last evaluated: 2024-04-25. Review status: criteria provided, single submitter. Criteria: Invitae Variant Classification Sherloc (09022015). Collection method: clinical testing. Allele origin: germline.
Comment: This sequence change replaces lysine, which is basic and polar, with glutamine, which is neutral and polar, at codon 303 of the HARS protein (p.Lys303Gln). This variant is present in population databases (rs774041144, gnomAD 0.002%). This variant has not been reported in the literature in individuals affected with HARS-related conditions. ClinVar contains an entry for this variant (Variation ID: 1330830). Advanced modeling of protein sequence and biophysical properties (such as structural, functional, and spatial information, amino acid conservation, physicochemical variation, residue mobility, and thermodynamic stability) performed at Invitae indicates that this missense variant is not expected to disrupt HARS protein function with a negative predictive value of 80%. In summary, the available evidence is currently insufficient to determine the role of this variant in disease. Therefore, it has been classified as a Variant of Uncertain Significance.

ARUP Laboratories, Molecular Genetics and Genomics, ARUP Laboratories
Classification: Uncertain significance. Last evaluated: 2021-05-08. Review status: criteria provided, single submitter. Criteria: ARUP Molecular Germline Variant Investigation Process 2021. Collection method: clinical testing. Allele origin: germline.
Comment: The HARS1 (also known as HARS) c.907A>C p.Lys303Gln variant (rs774041144), to our knowledge, has not been reported in the medical literature or gene specific databases. This variant is found in the general population with an overall allele frequency of 0.0008% (2/251,348 alleles) in the Genome Aggregation Database. The lysine at codon 303 is highly conserved, but computational analyses are uncertain whether this variant is neutral or deleterious (REVEL: 0.236). Based on the available information, the clinical significance of this variant is uncertain.